The following is an entry in ClinVar:

NM_001111.5(ADAR):c.487G>A (p.Gly163Arg)

Gene: ADAR (adenosine deaminase RNA specific; minus strand). Cytogenetic location: 1q21.3.
Variant type: single nucleotide variant.
Coding change: c.487G>A on transcript NM_001111.5 (MANE Select); coding-DNA position 487, G replaced by A.
Protein change: p.Gly163Arg; replaces glycine 163 with arginine.
Molecular consequence: missense variant. On other transcripts: 5 prime UTR variant (6).
Genome position (GRCh38, 1-based): chr1:154,602,155, C>T on the plus strand (G>A on the coding strand, the complement: ADAR is on the minus strand). VCF-style: chr1-154602155-C-T. GRCh37 (hg19) VCF-style: chr1-154574631-C-T.
Other names: c.-399G>A (NM_001025107.3, NM_001193495.2, NM_001365046.1 and 3 more transcripts); c.514G>A, p.Gly172Arg (NM_001365045.1); c.487G>A, p.Gly163Arg (NM_015840.4, NM_015841.4); c.487G>A (NM_001111.4); short protein forms G163R, G172R.
Identifiers: ClinVar variation 1513117 (VCV001513117.9), dbSNP rs762094056, ClinGen allele CA1131695.

ClinVar aggregate classification (germline): Conflicting classifications of pathogenicity. Review status: criteria provided, conflicting classifications (1 of 4 stars). 4 submissions from 4 submitters: Uncertain significance (2); Likely benign (2). Last evaluated 2025-07-29.

Conditions:
Inborn genetic diseases. Identifiers: MedGen C0950123, MeSH D030342.
Symmetrical dyschromatosis of extremities (DSH). Also called: Dyschromatosis symmetrica hereditaria; DYSCHROMATOSIS SYMMETRICA HEREDITARIA 1; RETICULATE ACROPIGMENTATION OF DOHI; SYMMETRIC DYSCHROMATOSIS OF THE EXTREMITIES. Identifiers: Orphanet 41, MedGen C0406775, MONDO:0007483, OMIM 127400.
Aicardi-Goutieres syndrome 6 (AGS6). Identifiers: Orphanet 51, MedGen C3539013, MONDO:0014007, OMIM 615010.

Allele frequency attached by ClinVar (database versions not stated): gnomAD 0.00001.
gnomAD v4.1: 27 of 1,614,112 alleles (0.0017%); highest among the groups gnomAD compares: Non-Finnish European, 0.0021%; no homozygotes.

Submissions (4):

Labcorp Genetics (formerly Invitae), Labcorp
Classification: Uncertain significance for Aicardi-Goutieres syndrome 6; Symmetrical dyschromatosis of extremities. Last evaluated: 2025-07-29. Review status: criteria provided, single submitter. Criteria: Invitae Variant Classification Sherloc (09022015). Collection method: clinical testing. Allele origin: germline.
Comment: This sequence change replaces glycine, which is neutral and non-polar, with arginine, which is basic and polar, at codon 163 of the ADAR protein (p.Gly163Arg). This variant is present in population databases (rs762094056, gnomAD 0.003%). This variant has not been reported in the literature in individuals affected with ADAR-related conditions. ClinVar contains an entry for this variant (Variation ID: 1513117). An algorithm developed to predict the effect of missense changes on protein structure and function outputs the following: PolyPhen-2: "Benign". The arginine amino acid residue is found in multiple mammalian species, which suggests that this missense change does not adversely affect protein function. In summary, the available evidence is currently insufficient to determine the role of this variant in disease. Therefore, it has been classified as a Variant of Uncertain Significance.

Blueprint Genetics
Classification: Likely benign. Last evaluated: 2024-11-14. Review status: criteria provided, single submitter. Criteria: ACMG Guidelines, 2015. Collection method: clinical testing. Allele origin: germline.

Ambry Genetics
Classification: Likely benign for Inborn genetic diseases. Last evaluated: 2022-10-04. Review status: criteria provided, single submitter. Criteria: Ambry Variant Classification Scheme 2023. Collection method: clinical testing. Allele origin: germline.

Fulgent Genetics
Classification: Uncertain significance for Symmetrical dyschromatosis of extremities; Aicardi-Goutieres syndrome 6. Last evaluated: 2022-04-13. Review status: criteria provided, single submitter. Criteria: ACMG Guidelines, 2015. Collection method: clinical testing. Allele origin: unknown.